The following is an entry in ClinVar:

ClinVar aggregate classification (germline): Pathogenic. Review status: criteria provided, multiple submitters, no conflicts (2 of 4 stars). 3 submissions from 3 submitters: Pathogenic (3). Last evaluated 2026-04-28.

Conditions:
Autosomal recessive Alport syndrome (ATS2). Also called: COL4A3-Related Nephropathy; COL4A4 Alport Syndrome and Thin Basement Membrane Nephropathy; ALPORT SYNDROME 2, AUTOSOMAL RECESSIVE; Alport syndrome type 2. Identifiers: Orphanet 63, Orphanet 88919, MedGen C4746745, MONDO:0008762, OMIM 203780.
Hematuria, benign familial, 1 (BFH1). Also called: THIN MEMBRANE NEPHROPATHY. Identifiers: MedGen CN376803, MONDO:0007709, OMIM 141200.
COL4A4-related disorder.

Submissions (3):

GeneDx
Classification: Pathogenic. Last evaluated: 2026-04-28. Review status: criteria provided, single submitter. Criteria: GeneDx Variant Classification Process June 2021. Collection method: clinical testing. Allele origin: germline.
Comment: Frameshift variant predicted to result in protein truncation or nonsense mediated decay in a gene for which loss-of-function is a known mechanism of disease; Not observed at significant frequency in large population cohorts (gnomAD); Has not been previously published as pathogenic or benign to our knowledge

PreventionGenetics, part of Exact Sciences
Classification: Pathogenic for COL4A4-related condition. Last evaluated: 2026-04-14. Review status: criteria provided, single submitter. Criteria: ACMG Guidelines, 2015. Collection method: clinical testing. Allele origin: germline.
Comment: The COL4A4 c.2529_2537delinsAT variant is predicted to result in a frameshift and premature protein termination (p.Tyr844Leufs*23). This variant has been reported in the homozygous state in an individual with chronic kidney disease (CKD) IV due to focal segmental glomerulosclerosis (FSGS) and thin basement membrane (Nissaisorakarn et al. 2024. PubMed ID: 38993907). At PreventionGenetics, we have observed this variant in the heterozygous state in multiple individuals sent for Alport syndrome or nephrotic syndrome panel testing (internal data). This variant has not been reported in a large population database (gnomAD), indicating this variant is rare. Truncating variants in COL4A4 are expected to be pathogenic for autosomal dominant and recessive COL4A4-related Alport syndrome spectrum disorders (see autosomal dominant type for example, Hines et al. 2018. PubMed ID: 30002862; Supplementary Table 1, Ćomić et al. 2022. PubMed ID: 36117978). This variant is interpreted as pathogenic for autosomal dominant and recessive COL4A4-related Alport syndrome spectrum disorders.

Fulgent Genetics
Classification: Pathogenic for Hematuria, benign familial, 1; Autosomal recessive Alport syndrome. Last evaluated: 2024-02-04. Review status: criteria provided, single submitter. Criteria: ACMG Guidelines, 2015. Collection method: clinical testing. Allele origin: germline.

NM_000092.5(COL4A4):c.2529_2537delinsAT (p.Tyr844fs)

Gene: COL4A4 (collagen type IV alpha 4 chain; minus strand). Cytogenetic location: 2q36.3.
Variant type: Indel.
Coding change: c.2529_2537delinsAT on transcript NM_000092.5 (MANE Select); coding-DNA positions 2529 to 2537, GTATCCAGG replaced by AT.
Protein change: p.Tyr844fs; shifts the reading frame from tyrosine 844.
Molecular consequence: frameshift variant.
Genome position (GRCh38, 1-based): chr2:227,057,447-227,057,455, CCTGGATAC replaced by AT on the plus strand (GTATCCAGG replaced by AT on the coding strand, the reverse complement: COL4A4 is on the minus strand). VCF-style: chr2-227057447-CCTGGATAC-AT. GRCh37 (hg19) VCF-style: chr2-227922163-CCTGGATAC-AT.
Other names: c.2529_2537delGTATCCAGGinsAT, p.Tyr844Leufs (NM_000092.4); short protein forms Y844fs.
Identifiers: ClinVar variation 3356957 (VCV003356957.5).
Genomic context (GRCh38, chr2:227,057,447, plus strand): 5'-TTTAATTGTAAGTAGGGTAAGCCCCAGACCCTTCACAGTTCTTGACACTTACCTGGGCTA[CCTGGATAC>AT]CCAGGGAGTCCCGGTTGCCCTGGTATCCCTGGAGCACCTCTTTCACAGGAATGGCCAGGT-3'